The following is an entry in ClinVar:

NM_004035.7(ACOX1):c.689T>C (p.Phe230Ser)

Gene: ACOX1 (acyl-CoA oxidase 1; minus strand). Cytogenetic location: 17q25.1.
Variant type: single nucleotide variant.
Coding change: c.689T>C on transcript NM_004035.7 (MANE Select); coding-DNA position 689, T replaced by C.
Protein change: p.Phe230Ser; replaces phenylalanine 230 with serine.
Molecular consequence: missense variant.
Genome position (GRCh38, 1-based): chr17:75,955,651, A>G on the plus strand (T>C on the coding strand, the complement: ACOX1 is on the minus strand). VCF-style: chr17-75955651-A-G. GRCh37 (hg19) VCF-style: chr17-73951732-A-G.
Other names: c.575T>C, p.Phe192Ser (NM_001185039.2); c.689T>C, p.Phe230Ser (NM_007292.6); short protein forms F192S, F230S.
Identifiers: ClinVar variation 4746691 (VCV004746691.1).

ClinVar aggregate classification (germline): Uncertain significance (1 of 4 stars; one submission).

Conditions:
Acyl-CoA oxidase deficiency. Also called: STRAIGHT-CHAIN ACYL-CoA OXIDASE DEFICIENCY; Pseudoneonatal adrenoleukodystrophy; Peroxisomal acyl-CoA oxidase deficiency. Identifiers: Orphanet 2971, MedGen C1849678, MONDO:0009919, OMIM 264470. Disease mechanism: loss of function.

Submission:

Labcorp Genetics (formerly Invitae), Labcorp
Classification: Uncertain significance for Acyl-CoA oxidase deficiency. Last evaluated: 2025-09-09. Review status: criteria provided, single submitter. Criteria: Invitae Variant Classification Sherloc (09022015). Collection method: clinical testing. Allele origin: germline.
Comment: This sequence change replaces phenylalanine, which is neutral and non-polar, with serine, which is neutral and polar, at codon 230 of the ACOX1 protein (p.Phe230Ser). This variant is not present in population databases (gnomAD no frequency). This variant has not been reported in the literature in individuals affected with ACOX1-related conditions. Invitae Evidence Modeling of protein sequence and biophysical properties (such as structural, functional, and spatial information, amino acid conservation, physicochemical variation, residue mobility, and thermodynamic stability) has been performed for this missense variant. However, the output from this modeling did not meet the statistical confidence thresholds required to predict the impact of this variant on ACOX1 protein function. In summary, the available evidence is currently insufficient to determine the role of this variant in disease. Therefore, it has been classified as a Variant of Uncertain Significance.